The following is an entry in ClinVar:

ClinVar aggregate classification (germline): Uncertain significance. Review status: criteria provided, multiple submitters, no conflicts (2 of 4 stars). 2 submissions from 2 submitters: Uncertain significance (2). Last evaluated 2021-03-13.

Conditions:
Saldino-Mainzer syndrome (SRTD9). Also called: Renal dysplasia, retinal pigmentary dystrophy, cerebellar ataxia and skeletal dysplasia; SHORT-RIB THORACIC DYSPLASIA 9 WITHOUT POLYDACTYLY; CONORENAL SYNDROME; short-rib thoracic dysplasia 9 with or without polydactyly. Identifiers: Orphanet 140969, MedGen C1849437, MONDO:0009964, OMIM 266920.

gnomAD v4.1: 14 of 1,607,452 alleles (0.00087%); highest among the groups gnomAD compares: Non-Finnish European, 0.0011%; no homozygotes.

Submissions (2):

Labcorp Genetics (formerly Invitae), Labcorp
Classification: Uncertain significance for Saldino-Mainzer syndrome. Last evaluated: 2021-03-13. Review status: criteria provided, single submitter. Criteria: Invitae Variant Classification Sherloc (09022015). Collection method: clinical testing. Allele origin: germline.
Comment: This variant is not present in population databases (ExAC no frequency). This variant has not been reported in the literature in individuals with IFT140-related conditions. ClinVar contains an entry for this variant (Variation ID: 317987). Algorithms developed to predict the effect of missense changes on protein structure and function (SIFT, PolyPhen-2, Align-GVGD) all suggest that this variant is likely to be tolerated, but these predictions have not been confirmed by published functional studies and their clinical significance is uncertain. In summary, the available evidence is currently insufficient to determine the role of this variant in disease. Therefore, it has been classified as a Variant of Uncertain Significance. This sequence change replaces glycine with glutamic acid at codon 1426 of the IFT140 protein (p.Gly1426Glu). The glycine residue is weakly conserved and there is a moderate physicochemical difference between glycine and glutamic acid.

Illumina Laboratory Services, Illumina
Classification: Uncertain significance for Saldino-Mainzer syndrome. Last evaluated: 2018-01-13. Review status: criteria provided, single submitter. Criteria: ICSL Variant Classification Criteria 13 December 2019. Collection method: clinical testing. Allele origin: germline.

NM_014714.4(IFT140):c.4277G>A (p.Gly1426Glu)

Gene: IFT140 (intraflagellar transport 140; minus strand). Cytogenetic location: 16p13.3.
Variant type: single nucleotide variant.
Coding change: c.4277G>A on transcript NM_014714.4 (MANE Select); coding-DNA position 4277, G replaced by A.
Protein change: p.Gly1426Glu; replaces glycine 1426 with glutamic acid.
Molecular consequence: missense variant.
Genome position (GRCh38, 1-based): chr16:1,511,056, C>T on the plus strand (G>A on the coding strand, the complement: IFT140 is on the minus strand). VCF-style: chr16-1511056-C-T. GRCh37 (hg19) VCF-style: chr16-1561057-C-T.
Other names: short protein forms G1426E.
Identifiers: ClinVar variation 317987 (VCV000317987.12), dbSNP rs886051708, ClinGen allele CA10647032.
Genomic context (GRCh38, chr16:1,511,056, plus strand): 5'-TCCTCCATGCTGTTGTGGCGGACCTGCTCGGGGACGGTGCGTGGCAGTGGGAGACCCAGC[C>T]CCCGGTGCACGGCGTCCACGGCCTGCGGGCTCACGTAGTAGGACATGTTGGCCAAGGGAA-3'
Protein context (NP_055529.2, residues 1416-1436): SPQAVDAVHR[Gly1426Glu]LGLPLPRTVP